The following is an entry in ClinVar:

ClinVar aggregate classification (germline): Likely benign (1 of 4 stars; one submission).

gnomAD v4.1: 212 of 990,312 alleles (0.021%); highest among the groups gnomAD compares: Admixed American, 0.26%; 1 homozygote.

Submission:

CeGaT Center for Human Genetics Tuebingen
Classification: Likely benign. Last evaluated: 2026-09-01. Review status: criteria provided, single submitter. Criteria: CeGaT Center For Human Genetics Tuebingen Variant Classification Criteria Version 2. Collection method: clinical testing. Allele origin: germline. Affected: yes. Observed: 2 variant alleles.
Comment: TPM1: BS1

NM_001018005.2(TPM1):c.852-510A>G

Gene: TPM1 (tropomyosin 1; plus strand). Cytogenetic location: 15q22.2.
Variant type: single nucleotide variant.
Coding change: c.852-510A>G on transcript NM_001018005.2 (MANE Select); 510 bases into the intron before coding-DNA position 852, A replaced by G.
Molecular consequence: intron variant. On other transcripts: 3 prime UTR variant (4), non-coding transcript variant (1).
Genome position (GRCh38, 1-based): chr15:63,065,386, A>G. VCF-style: chr15-63065386-A-G. GRCh37 (hg19) VCF-style: chr15-63357585-A-G.
Other names: c.*1240A>G (NM_001365781.2, NM_001365782.1, NM_001407333.1 and 1 more transcripts); c.898+2741A>G (NM_001365778.1); c.772+2741A>G (NM_001407336.1, NM_001018020.2, NM_001407338.1 and 5 more transcripts); c.851+1244A>G (NM_001407326.1); c.*45-510A>G (NM_001407323.1, NM_001407335.1, NM_000366.6 and 1 more transcripts); c.978-510A>G (NM_001407322.1); c.852-510A>G (NM_001407329.1, NM_001301244.2, NM_001407331.1); c.773-510A>G (NM_001407328.1, NM_001407327.1, NM_001365777.1); and 3 more.
Identifiers: ClinVar variation 4874279 (VCV004874279.2).